The following is an entry in ClinVar:

ClinVar aggregate classification (germline): Uncertain significance. Review status: criteria provided, multiple submitters, no conflicts (2 of 4 stars). 2 submissions from 2 submitters: Uncertain significance (2). Last evaluated 2025-02-11.

Conditions:
Combined immunodeficiency due to OX40 deficiency. Also called: Immunodeficiency 16; OX40 DEFICIENCY. Identifiers: Orphanet 431149, MedGen C3810053, MONDO:0014268, OMIM 615593.

Allele frequency attached by ClinVar (database versions not stated): ExAC 0.00001; gnomAD 0.00001; TOPMed 0.00002; gnomAD exomes 0.00003; 1000 Genomes Project 30x 0.00016; 1000 Genomes Project 0.00020.

Submissions (2):

Labcorp Genetics (formerly Invitae), Labcorp
Classification: Uncertain significance for Combined immunodeficiency due to OX40 deficiency. Last evaluated: 2025-02-11. Review status: criteria provided, single submitter. Criteria: Invitae Variant Classification Sherloc (09022015). Collection method: clinical testing. Allele origin: germline.
Comment: This sequence change replaces alanine, which is neutral and non-polar, with valine, which is neutral and non-polar, at codon 184 of the TNFRSF4 protein (p.Ala184Val). The frequency data for this variant in the population databases is considered unreliable, as metrics indicate poor data quality at this position in the gnomAD database. This variant has not been reported in the literature in individuals affected with TNFRSF4-related conditions. ClinVar contains an entry for this variant (Variation ID: 2249279). An algorithm developed to predict the effect of missense changes on protein structure and function outputs the following: PolyPhen-2: "Benign". The valine amino acid residue is found in multiple mammalian species, which suggests that this missense change does not adversely affect protein function. In summary, the available evidence is currently insufficient to determine the role of this variant in disease. Therefore, it has been classified as a Variant of Uncertain Significance.

Ambry Genetics
Classification: Uncertain significance. Last evaluated: 2021-09-15. Review status: criteria provided, single submitter. Criteria: Ambry Variant Classification Scheme 2023. Collection method: clinical testing. Allele origin: germline.

NM_003327.4(TNFRSF4):c.551C>T (p.Ala184Val)

Gene: TNFRSF4 (TNF receptor superfamily member 4; minus strand). Cytogenetic location: 1p36.33.
Variant type: single nucleotide variant.
Coding change: c.551C>T on transcript NM_003327.4 (MANE Select); coding-DNA position 551, C replaced by T.
Protein change: p.Ala184Val; replaces alanine 184 with valine.
Molecular consequence: missense variant.
Genome position (GRCh38, 1-based): chr1:1,212,025, G>A on the plus strand (C>T on the coding strand, the complement: TNFRSF4 is on the minus strand). VCF-style: chr1-1212025-G-A. GRCh37 (hg19) VCF-style: chr1-1147405-G-A.
Other names: c.551C>T, p.Ala184Val (NM_001410709.1); short protein forms A184V.
Identifiers: ClinVar variation 2249279 (VCV002249279.3), dbSNP rs140967116, ClinGen allele CA512419.